The following is an entry in ClinVar:

NM_002335.4(LRP5):c.2206G>A (p.Asp736Asn)

Gene: LRP5 (LDL receptor related protein 5; plus strand). Cytogenetic location: 11q13.2.
Variant type: single nucleotide variant.
Coding change: c.2206G>A on transcript NM_002335.4 (MANE Select); coding-DNA position 2206, G replaced by A.
Protein change: p.Asp736Asn; replaces aspartic acid 736 with asparagine.
Molecular consequence: missense variant.
Genome position (GRCh38, 1-based): chr11:68,410,028, G>A. VCF-style: chr11-68410028-G-A. GRCh37 (hg19) VCF-style: chr11-68177496-G-A.
Other names: c.2206G>A (NM_002335.3); c.463G>A, p.Asp155Asn (NM_001291902.2); short protein forms D736N, D155N.
Identifiers: ClinVar variation 1899240 (VCV001899240.9), dbSNP rs776613004, ClinGen allele CA6149561.

ClinVar aggregate classification (germline): Uncertain significance. Review status: criteria provided, multiple submitters, no conflicts (2 of 4 stars). 4 submissions from 4 submitters: Uncertain significance (3). 1 of the submissions does not count toward it. Last evaluated 2025-04-17.

Conditions:
Worth disease. Also called: ENDOSTEAL HYPEROSTOSIS, AUTOSOMAL DOMINANT; OSTEOSCLEROSIS, AUTOSOMAL DOMINANT; Autosomal dominant osteosclerosis, Worth type. Identifiers: Orphanet 2790, MedGen C0432273, MONDO:0007764, OMIM 144750.
Polycystic liver disease 4 with or without kidney cysts. Identifiers: MedGen C4693479, MONDO:0044327, OMIM 617875.
Autosomal dominant osteopetrosis 1 (OPTA1). Also called: OSTEOPETROSIS, AUTOSOMAL DOMINANT, TYPE I. Identifiers: Orphanet 2783, MedGen C1843330, MONDO:0011877, OMIM 607634.
Bone mineral density quantitative trait locus 1 (BMND1). Identifiers: MedGen C1866079, OMIM 601884.
Osteoporosis with pseudoglioma (OPPG). Also called: osteoporosis-pseudoglioma syndrome. Identifiers: Orphanet 2788, MedGen C0432252, MONDO:0009820, OMIM 259770.
Exudative vitreoretinopathy 4 (EVR4). Identifiers: Orphanet 891, MedGen C1866176, MONDO:0011151, OMIM 601813.
LRP5-related disorder. Also called: LRP5-related condition.

Allele frequency attached by ClinVar (database versions not stated): ExAC 0.00002; gnomAD 0.00002; TOPMed 0.00002; gnomAD exomes 0.00003.
gnomAD v4.1: 49 of 1,613,932 alleles (0.003%); highest among the groups gnomAD compares: Non-Finnish European, 0.0038%; no homozygotes.

Submissions (4):

Labcorp Genetics (formerly Invitae), Labcorp
Classification: Uncertain significance. Last evaluated: 2025-04-17. Review status: criteria provided, single submitter. Criteria: Invitae Variant Classification Sherloc (09022015). Collection method: clinical testing. Allele origin: germline.
Comment: This sequence change replaces aspartic acid, which is acidic and polar, with asparagine, which is neutral and polar, at codon 736 of the LRP5 protein (p.Asp736Asn). This variant is present in population databases (rs776613004, gnomAD 0.006%). This variant has not been reported in the literature in individuals affected with LRP5-related conditions. ClinVar contains an entry for this variant (Variation ID: 1899240). Invitae Evidence Modeling of protein sequence and biophysical properties (such as structural, functional, and spatial information, amino acid conservation, physicochemical variation, residue mobility, and thermodynamic stability) indicates that this missense variant is expected to disrupt LRP5 protein function with a positive predictive value of 95%. In summary, the available evidence is currently insufficient to determine the role of this variant in disease. Therefore, it has been classified as a Variant of Uncertain Significance.

Blueprint Genetics
Classification: Uncertain significance. Last evaluated: 2024-10-24. Review status: criteria provided, single submitter. Criteria: ACMG Guidelines, 2015. Collection method: clinical testing. Allele origin: germline.

Fulgent Genetics
Classification: Uncertain significance for Worth disease; Osteoporosis with pseudoglioma; Exudative vitreoretinopathy 4; Bone mineral density quantitative trait locus 1; Autosomal dominant osteopetrosis 1; Polycystic liver disease 4 with or without kidney cysts. Last evaluated: 2023-12-29. Review status: criteria provided, single submitter. Criteria: ACMG Guidelines, 2015. Collection method: clinical testing. Allele origin: germline.

PreventionGenetics, part of Exact Sciences
Classification: Uncertain significance for LRP5-related condition. Last evaluated: 2024-04-16. Review status: no assertion criteria provided. Collection method: clinical testing. Allele origin: germline. Not counted in ClinVar's aggregate classification.
Comment: The LRP5 c.2206G>A variant is predicted to result in the amino acid substitution p.Asp736Asn. To our knowledge, this variant has not been reported in the literature. This variant is reported in 0.0054% of alleles in individuals of East Asian descent in gnomAD. At this time, the clinical significance of this variant is uncertain due to the absence of conclusive functional and genetic evidence.